The following is an entry in ClinVar:

ClinVar aggregate classification (germline): Pathogenic (1 of 4 stars; one submission).

Conditions:
Inborn genetic diseases. Identifiers: MedGen C0950123, MeSH D030342.

Submission:

Ambry Genetics
Classification: Pathogenic for Inborn genetic diseases. Last evaluated: 2024-10-09. Review status: criteria provided, single submitter. Criteria: Ambry Variant Classification Scheme 2023. Collection method: clinical testing. Allele origin: germline.
Comment: The c.3413_3414dupCC (p.A1139Pfs*55) alteration, located in exon 25 (coding exon 25) of the SYNJ1 gene, consists of a duplication of CC at position 3413, causing a translational frameshift with a predicted alternate stop codon after 55 amino acids. This alteration is expected to result in loss of function by premature protein truncation or nonsense-mediated mRNA decay. This variant was not reported in population-based cohorts in the Genome Aggregation Database (gnomAD). Based on the available evidence, this alteration is classified as pathogenic.

NM_203446.3(SYNJ1):c.3296_3297dup (p.Ala1100fs)

Gene: SYNJ1 (synaptojanin 1; minus strand). Cytogenetic location: 21q22.11.
Variant type: Duplication.
Coding change: c.3296_3297dup on transcript NM_203446.3 (MANE Select); coding-DNA positions 3296 to 3297, 2 bases duplicated (CC; older notation c.3296_3297dupCC).
Protein change: p.Ala1100fs; shifts the reading frame from alanine 1100.
Molecular consequence: frameshift variant.
Genome position (GRCh38, 1-based): chr21:32,645,740-32,645,741, GG duplicated on the plus strand (CC on the coding strand, the reverse complement: SYNJ1 is on the minus strand); duplicating any 2 consecutive bases within chr21:32,645,740-32,645,743 gives the same sequence; the c. name uses the placement nearest the transcript's 3' end. VCF-style (leftmost placement, unchanged base first): chr21-32645739-C-CGG. GRCh37 (hg19) VCF-style: chr21-34018049-C-CGG.
Other names: c.3296_3297dup, p.Ala1100fs (NM_001160302.2); c.3281_3282dup, p.Ala1095fs (NM_001160306.2); c.3413_3414dup, p.Ala1139fs (NM_003895.4); short protein forms A1095fs, A1100fs, A1139fs.
Identifiers: ClinVar variation 3451988 (VCV003451988.1).